The following is an entry in ClinVar:

NM_182914.3(SYNE2):c.11876C>G (p.Thr3959Arg)

Gene: SYNE2 (spectrin repeat containing nuclear envelope protein 2; plus strand). Cytogenetic location: 14q23.2.
Variant type: single nucleotide variant.
Coding change: c.11876C>G on transcript NM_182914.3 (MANE Select); coding-DNA position 11876, C replaced by G.
Protein change: p.Thr3959Arg; replaces threonine 3959 with arginine.
Molecular consequence: missense variant.
Genome position (GRCh38, 1-based): chr14:64,090,948, C>G. VCF-style: chr14-64090948-C-G. GRCh37 (hg19) VCF-style: chr14-64557666-C-G.
Other names: c.11876C>G, p.Thr3959Arg (NM_015180.6); short protein forms T3959R.
Identifiers: ClinVar variation 2436815 (VCV002436815.5), dbSNP rs149790389, ClinGen allele CA7221943.

ClinVar aggregate classification (germline): Uncertain significance. Review status: criteria provided, multiple submitters, no conflicts (2 of 4 stars). 3 submissions from 3 submitters: Uncertain significance (3). Last evaluated 2025-03-25.

Conditions:
Emery-Dreifuss muscular dystrophy 5, autosomal dominant (EDMD5). Also called: EMERY-DREIFUSS MUSCULAR DYSTROPHY 5. Identifiers: Orphanet 261, MedGen C2751805, MONDO:0013072, OMIM 612999.

gnomAD v4.1: 28 of 1,613,980 alleles (0.0017%); highest among the groups gnomAD compares: African/African-American, 0.0027%; no homozygotes.

Submissions (3):

Labcorp Genetics (formerly Invitae), Labcorp
Classification: Uncertain significance for Emery-Dreifuss muscular dystrophy 5, autosomal dominant. Last evaluated: 2025-03-25. Review status: criteria provided, single submitter. Criteria: Invitae Variant Classification Sherloc (09022015). Collection method: clinical testing. Allele origin: germline.
Comment: This sequence change replaces threonine, which is neutral and polar, with arginine, which is basic and polar, at codon 3959 of the SYNE2 protein (p.Thr3959Arg). This variant is present in population databases (rs149790389, gnomAD 0.007%). This variant has not been reported in the literature in individuals affected with SYNE2-related conditions. ClinVar contains an entry for this variant (Variation ID: 2436815). An algorithm developed to predict the effect of missense changes on protein structure and function (PolyPhen-2) suggests that this variant is likely to be tolerated. In summary, the available evidence is currently insufficient to determine the role of this variant in disease. Therefore, it has been classified as a Variant of Uncertain Significance.

Ambry Genetics
Classification: Uncertain significance. Last evaluated: 2025-01-16. Review status: criteria provided, single submitter. Criteria: Ambry Variant Classification Scheme 2023. Collection method: clinical testing. Allele origin: germline.

Revvity Omics, Revvity
Classification: Uncertain significance for Emery-Dreifuss muscular dystrophy 5, autosomal dominant. Last evaluated: 2019-03-07. Review status: criteria provided, single submitter. Criteria: ACMG Guidelines, 2015. Collection method: clinical testing. Allele origin: germline.